The following is an entry in ClinVar:

NM_000426.4(LAMA2):c.2328T>A (p.Cys776Ter)

Gene: LAMA2 (laminin subunit alpha 2; plus strand). Cytogenetic location: 6q22.33.
Variant type: single nucleotide variant.
Coding change: c.2328T>A on transcript NM_000426.4 (MANE Select); coding-DNA position 2328, T replaced by A.
Protein change: p.Cys776Ter; replaces cysteine 776 with a stop codon.
Molecular consequence: nonsense.
Genome position (GRCh38, 1-based): chr6:129,270,629, T>A. VCF-style: chr6-129270629-T-A. GRCh37 (hg19) VCF-style: chr6-129591774-T-A.
Other names: c.2328T>A, p.Cys776Ter (NM_001079823.2); short protein forms C776*.
Identifiers: ClinVar variation 984192 (VCV000984192.4), dbSNP rs1787862380, ClinGen allele CA365608989.

ClinVar aggregate classification (germline): Likely pathogenic (1 of 4 stars; one submission).

Conditions:
LAMA2-related muscular dystrophy (LAMA2-RD). Also called: Laminin alpha 2-related dystrophy. Identifiers: MedGen C5679788, MONDO:0100228.

Submission:

Myriad Genetics, Inc.
Classification: Likely pathogenic for LAMA2-related muscular dystrophy. Last evaluated: 2019-06-01. Review status: criteria provided, single submitter. Criteria: Myriad Autosomal Dominant, Autosomal Recessive and X-Linked Classification Criteria (2023). Collection method: clinical testing. Allele origin: unknown.
Comment: NM_000426.3(LAMA2):c.2328T>A(C776*) is expected to be pathogenic in the context of LAMA2-related muscular dystrophy. This variant is predicted to lead to an abnormal or absent protein product due to the creation of a premature termination codon in LAMA2, a gene where loss-of-function variants are known to be pathogenic. Please note: this variant was assessed in the context of healthy population screening.